The following is an entry in ClinVar:

ClinVar aggregate classification (germline): Likely benign (0 of 4 stars; one submission).

Conditions:
NRP2-related disorder. Also called: NRP2-related condition.

Allele frequency attached by ClinVar (database versions not stated): ExAC 0.00003; gnomAD exomes 0.00005; ESP Exome Variant Server 0.00008; gnomAD 0.00009; TOPMed 0.00012.
gnomAD v4.1: 93 of 1,614,056 alleles (0.0058%); highest among the groups gnomAD compares: Admixed American, 0.028%; no homozygotes.

Submission:

PreventionGenetics, part of Exact Sciences
Classification: Likely benign for NRP2-related condition. Last evaluated: 2022-01-04. Review status: no assertion criteria provided. Collection method: clinical testing. Allele origin: germline.
Comment: This variant is classified as likely benign based on ACMG/AMP sequence variant interpretation guidelines (Richards et al. 2015 PMID: 25741868, with internal and published modifications).

NM_003872.3(NRP2):c.2541C>T (p.Thr847=)

Gene: NRP2 (neuropilin 2; plus strand). Cytogenetic location: 2q33.3.
Variant type: single nucleotide variant.
Coding change: c.2541C>T on transcript NM_003872.3 (MANE Select); coding-DNA position 2541, C replaced by T.
Protein change: p.Thr847=; no amino-acid change (threonine 847 retained).
Molecular consequence: synonymous variant.
Genome position (GRCh38, 1-based): chr2:205,794,818, C>T. VCF-style: chr2-205794818-C-T. GRCh37 (hg19) VCF-style: chr2-206659542-C-T.
Other names: c.2556C>T, p.Thr852= (NM_201266.2); c.2490C>T, p.Thr830= (NM_201279.2).
Identifiers: ClinVar variation 3046697 (VCV003046697.2), dbSNP rs150201258, ClinGen allele CA2069609.